The following is an entry in ClinVar:

NM_017882.3(CLN6):c.68C>A (p.Ser23Tyr)

Gene: CLN6 (CLN6 transmembrane ER protein; minus strand). Cytogenetic location: 15q23.
Variant type: single nucleotide variant.
Coding change: c.68C>A on transcript NM_017882.3 (MANE Select); coding-DNA position 68, C replaced by A.
Protein change: p.Ser23Tyr; replaces serine 23 with tyrosine.
Molecular consequence: missense variant.
Genome position (GRCh38, 1-based): chr15:68,229,517, G>T on the plus strand (C>A on the coding strand, the complement: CLN6 is on the minus strand). VCF-style: chr15-68229517-G-T. GRCh37 (hg19) VCF-style: chr15-68521855-G-T.
Other names: short protein forms S23Y.
Identifiers: ClinVar variation 2117973 (VCV002117973.4), dbSNP rs2505441873, ClinGen allele CA392978114.

ClinVar aggregate classification (germline): Uncertain significance (1 of 4 stars; one submission).

Conditions:
Neuronal ceroid lipofuscinosis. Also called: Neuronal Ceroid Lipofuscinoses. Identifiers: Orphanet 216, Orphanet 79263, MedGen C0027877, MONDO:0016295. Disease mechanism: loss of function.

Submission:

Labcorp Genetics (formerly Invitae), Labcorp
Classification: Uncertain significance for Neuronal ceroid lipofuscinosis. Last evaluated: 2022-03-27. Review status: criteria provided, single submitter. Criteria: Invitae Variant Classification Sherloc (09022015). Collection method: clinical testing. Allele origin: germline.
Comment: In summary, the available evidence is currently insufficient to determine the role of this variant in disease. Therefore, it has been classified as a Variant of Uncertain Significance. Algorithms developed to predict the effect of missense changes on protein structure and function are either unavailable or do not agree on the potential impact of this missense change (SIFT: "Deleterious"; PolyPhen-2: "Benign"; Align-GVGD: "Class C0"). This variant has not been reported in the literature in individuals affected with CLN6-related conditions. This variant is not present in population databases (gnomAD no frequency). This sequence change replaces serine, which is neutral and polar, with tyrosine, which is neutral and polar, at codon 23 of the CLN6 protein (p.Ser23Tyr).